The following is an entry in ClinVar:

ClinVar aggregate classification (germline): Conflicting classifications of pathogenicity. Review status: criteria provided, conflicting classifications (1 of 4 stars). 17 submissions from 17 submitters: Uncertain significance (1); Likely benign (12). 4 of the submissions do not count toward it. Last evaluated 2025-12-15.

Conditions:
RAD51D-related disorder. Also called: RAD51D-related condition.
RAD51D-related cancer predisposition. Identifiers: MedGen CN377763, MONDO:0700274.
Breast and/or ovarian cancer. Identifiers: MedGen CN221562.
Hereditary cancer-predisposing syndrome. Also called: Tumor predisposition; Hereditary neoplastic syndrome; Hereditary Cancer Syndrome; Neoplastic Syndromes, Hereditary. Identifiers: Orphanet 140162, MedGen C0027672, MeSH D009386, MONDO:0015356.
Breast-ovarian cancer, familial, susceptibility to, 4. Identifiers: Orphanet 145, MedGen C3280345, MONDO:0013669, OMIM 614291.

Allele frequency attached by ClinVar (database versions not stated): gnomAD 0.00006 and 0.00009; TOPMed 0.00007; ExAC 0.00011; 1000 Genomes Project 30x 0.00016; 1000 Genomes Project 0.00020.
gnomAD v4.1: 149 of 1,612,382 alleles (0.0092%); highest among the groups gnomAD compares: East Asian, 0.094%; no homozygotes.

Submissions (17):

Labcorp Genetics (formerly Invitae), Labcorp
Classification: Likely benign for Breast-ovarian cancer, familial, susceptibility to, 4. Last evaluated: 2025-12-15. Review status: criteria provided, single submitter. Criteria: Invitae Variant Classification Sherloc (09022015). Collection method: clinical testing. Allele origin: germline.

Center for Genomic Medicine, Rigshospitalet, Copenhagen University Hospital
Classification: Likely benign. Last evaluated: 2025-03-04. Review status: criteria provided, single submitter. Criteria: ACMG Guidelines, 2015. Collection method: clinical testing. Allele origin: germline.

Laboratory of Genetics, Children's Clinical University Hospital Latvia
Classification: Likely benign. Last evaluated: 2025-02-16. Review status: criteria provided, single submitter. Criteria: ACMG Guidelines, 2015. Collection method: clinical testing. Allele origin: germline. Affected: yes.

Quest Diagnostics Nichols Institute San Juan Capistrano
Classification: Likely benign. Last evaluated: 2023-06-27. Review status: criteria provided, single submitter. Criteria: Quest Diagnostics criteria. Collection method: clinical testing. Allele origin: unknown.

Myriad Genetics, Inc.
Classification: Likely benign for Breast-ovarian cancer, familial, susceptibility to, 4. Last evaluated: 2023-04-06. Review status: criteria provided, single submitter. Criteria: Myriad Autosomal Dominant, Autosomal Recessive and X-Linked Classification Criteria (2023). Collection method: clinical testing. Allele origin: unknown.
Comment: This variant is considered likely benign. This variant is intronic and is not expected to impact mRNA splicing.

Women's Health and Genetics/Laboratory Corporation of America, LabCorp
Classification: Likely benign. Last evaluated: 2022-11-21. Review status: criteria provided, single submitter. Criteria: LabCorp Variant Classification Summary - May 2015. Collection method: clinical testing. Allele origin: germline.
Comment: Variant summary: RAD51D c.145-4G>A alters a non-conserved nucleotide located close to a canonical splice site and therefore could affect mRNA splicing, leading to a significantly altered protein sequence. 4/4 computational tools predict no significant impact on normal splicing. However, these predictions have yet to be confirmed by functional studies. The variant allele was found at a frequency of 0.00012 in 251078 control chromosomes (gnomAD). This frequency is close to the predicted frequency for a pathogenic variant in RAD51D causing Hereditary Breast And Ovarian Cancer Syndrome (0.00012 vs 0.00013), strongly suggesting the variant may be benign. To our knowledge, no occurrence of c.145-4G>A in individuals affected with Hereditary Breast And Ovarian Cancer Syndrome and no experimental evidence demonstrating its impact on protein function have been reported. Nine clinical diagnostic laboratories have submitted clinical-significance assessments for this variant to ClinVar after 2014 and all classified the variant as likely benign. Based on the evidence outlined above, the variant was classified as likely benign.

CHEO Genetics Diagnostic Laboratory, Children's Hospital of Eastern Ontario
Classification: Uncertain significance for Breast and/or ovarian cancer. Last evaluated: 2021-07-29. Review status: criteria provided, single submitter. Criteria: ACMG Guidelines, 2015. Collection method: clinical testing. Allele origin: germline.

Sema4
Classification: Likely benign for Hereditary cancer-predisposing syndrome. Last evaluated: 2021-07-08. Review status: criteria provided, single submitter. Criteria: Sema4 Curation Guidelines. Collection method: curation. Allele origin: germline.

Department of Pathology and Laboratory Medicine, Sinai Health System
Classification: Likely benign for RAD51D-related cancer predisposition. Last evaluated: 2021-05-12. Review status: criteria provided, single submitter. Criteria: ACMG Guidelines, 2015. Collection method: clinical testing. Allele origin: germline. Affected: no.

CeGaT Center for Human Genetics Tuebingen
Classification: Likely benign. Last evaluated: 2021-01-01. Review status: criteria provided, single submitter. Criteria: CeGaT Center For Human Genetics Tuebingen Variant Classification Criteria Version 2. Collection method: clinical testing. Allele origin: germline. Affected: yes. Observed: 1 variant allele.

GeneDx
Classification: Likely benign. Last evaluated: 2020-12-15. Review status: criteria provided, single submitter. Criteria: GeneDx Variant Classification Process June 2021. Collection method: clinical testing. Allele origin: germline. Affected: yes.

Ambry Genetics
Classification: Likely benign for Hereditary cancer-predisposing syndrome. Last evaluated: 2019-08-04. Review status: criteria provided, single submitter. Criteria: Ambry Variant Classification Scheme 2023. Collection method: clinical testing. Allele origin: germline.

Color Diagnostics, LLC DBA Color Health
Classification: Likely benign for Hereditary cancer-predisposing syndrome. Last evaluated: 2016-09-26. Review status: criteria provided, single submitter. Criteria: ACMG Guidelines, 2015. Collection method: clinical testing. Allele origin: germline.

PreventionGenetics, part of Exact Sciences
Classification: Likely benign for RAD51D-related condition. Last evaluated: 2022-03-10. Review status: no assertion criteria provided. Collection method: clinical testing. Allele origin: germline. Not counted in ClinVar's aggregate classification.
Comment: This variant is classified as likely benign based on ACMG/AMP sequence variant interpretation guidelines (Richards et al. 2015 PMID: 25741868, with internal and published modifications).

Counsyl
Classification: Likely benign for Breast-ovarian cancer, familial, susceptibility to, 4. Last evaluated: 2016-11-07. Review status: no assertion criteria provided. Collection method: clinical testing. Allele origin: unknown. Not counted in ClinVar's aggregate classification.

Diagnostic Laboratory, Department of Genetics, University Medical Center Groningen
Classification: Likely benign. Review status: no assertion criteria provided. Collection method: clinical testing. Allele origin: germline. Affected: yes. Study: VKGL Data-share Consensus. Not counted in ClinVar's aggregate classification.

Joint Genome Diagnostic Labs from Nijmegen and Maastricht, Radboudumc and MUMC+
Classification: Likely benign. Review status: no assertion criteria provided. Collection method: clinical testing. Allele origin: germline. Affected: yes. Study: VKGL Data-share Consensus. Not counted in ClinVar's aggregate classification.

NM_002878.4(RAD51D):c.145-4G>A

Genes: RAD51D (RAD51 paralog D; minus strand), RAD51L3-RFFL (RAD51L3-RFFL readthrough; minus strand). Cytogenetic location: 17q12.
Variant type: single nucleotide variant.
Coding change: c.145-4G>A on transcript NM_002878.4 (MANE Select); 4 bases into the intron before coding-DNA position 145, G replaced by A.
Molecular consequence: intron variant.
Genome position (GRCh38, 1-based): chr17:35,118,623, C>T on the plus strand (G>A on the coding strand, the complement: RAD51D is on the minus strand). VCF-style: chr17-35118623-C-T. GRCh37 (hg19) VCF-style: chr17-33445642-C-T.
Other names: c.144+488G>A (NM_133629.3, NM_001142571.2).
Identifiers: ClinVar variation 141453 (VCV000141453.75), dbSNP rs201361465, ClinGen allele CA165452.